The following is an entry in ClinVar:

ClinVar aggregate classification (germline): Benign/Likely benign. Review status: criteria provided, multiple submitters, no conflicts (2 of 4 stars). 4 submissions from 4 submitters: Benign (1); Likely benign (3). Last evaluated 2025-06-14.

Conditions:
Hereditary cancer-predisposing syndrome. Also called: Hereditary neoplastic syndrome; Hereditary Cancer Syndrome; Neoplastic Syndromes, Hereditary; Tumor predisposition. Identifiers: Orphanet 140162, MedGen C0027672, MeSH D009386, MONDO:0015356.
Familial adenomatous polyposis 1 (FAP1). Also called: FAMILIAL ADENOMATOUS POLYPOSIS 1, ATTENUATED; POLYPOSIS, ADENOMATOUS INTESTINAL. Identifiers: MedGen C2713442, MONDO:0021056, OMIM 175100. Disease mechanism: loss of function.

Submissions (4):

Labcorp Genetics (formerly Invitae), Labcorp
Classification: Likely benign for Familial adenomatous polyposis 1. Last evaluated: 2025-06-14. Review status: criteria provided, single submitter. Criteria: Invitae Variant Classification Sherloc (09022015). Collection method: clinical testing. Allele origin: germline.

Color Diagnostics, LLC DBA Color Health
Classification: Likely benign for Hereditary cancer-predisposing syndrome. Last evaluated: 2025-05-30. Review status: criteria provided, single submitter. Criteria: ACMG Guidelines, 2015. Collection method: clinical testing. Allele origin: germline.

Myriad Genetics, Inc.
Classification: Benign for Familial adenomatous polyposis 1. Last evaluated: 2024-02-23. Review status: criteria provided, single submitter. Criteria: Myriad Autosomal Dominant, Autosomal Recessive and X-Linked Classification Criteria (2023). Collection method: clinical testing. Allele origin: unknown.
Comment: This variant is considered benign. This variant is a silent/synonymous amino acid change and it is not expected to impact splicing.

Ambry Genetics
Classification: Likely benign for Hereditary cancer-predisposing syndrome. Last evaluated: 2018-12-12. Review status: criteria provided, single submitter. Criteria: Ambry Variant Classification Scheme 2023. Collection method: clinical testing. Allele origin: germline.

NM_000038.6(APC):c.468C>T (p.Asp156=)

Gene: APC (APC regulator of Wnt signaling pathway; plus strand). Cytogenetic location: 5q22.2.
Variant type: single nucleotide variant.
Coding change: c.468C>T on transcript NM_000038.6 (MANE Select); coding-DNA position 468, C replaced by T.
Protein change: p.Asp156=; no amino-acid change (aspartic acid 156 retained).
Molecular consequence: synonymous variant. On other transcripts: 5 prime UTR variant (1).
Genome position (GRCh38, 1-based): chr5:112,775,674, C>T. VCF-style: chr5-112775674-C-T. GRCh37 (hg19) VCF-style: chr5-112111371-C-T.
Other names: c.468C>T, p.Asp156= (NM_001127510.3, NM_001354895.2, NM_001354896.2 and 2 more transcripts); c.498C>T, p.Asp166= (NM_001127511.3, NM_001354897.2, NM_001354902.2); c.393C>T, p.Asp131= (NM_001354898.2, NM_001354904.2); c.291C>T, p.Asp97= (NM_001354900.2, NM_001354901.2, NM_001354905.2); c.-568C>T (NM_001354906.2).
Identifiers: ClinVar variation 236604 (VCV000236604.17), dbSNP rs752627126, ClinGen allele CA10582276.